The following is an entry in ClinVar:

ClinVar aggregate classification (germline): Uncertain significance (1 of 4 stars; one submission).

Conditions:
Intellectual developmental disorder, autosomal dominant 52. Also called: Intellectual disability, autosomal dominant 52; Mental retardation, autosomal dominant 52. Identifiers: MedGen C4540478, MONDO:0030918, OMIM 617796.

Submission:

Laboratorio de Genetica e Diagnostico Molecular, Hospital Israelita Albert Einstein
Classification: Uncertain significance for Intellectual developmental disorder, autosomal dominant 52. Last evaluated: 2024-08-13. Review status: criteria provided, single submitter. Criteria: ACMG Guidelines, 2015. Collection method: clinical testing. Allele origin: germline. Affected: yes.
Comment: ACMG classification criteria: PM2 supporting, BP4 supporting

NM_018489.3(ASH1L):c.3870G>T (p.Glu1290Asp)

Gene: ASH1L (ASH1 like histone lysine methyltransferase; minus strand). Cytogenetic location: 1q22.
Variant type: single nucleotide variant.
Coding change: c.3870G>T on transcript NM_018489.3 (MANE Select); coding-DNA position 3870, G replaced by T.
Protein change: p.Glu1290Asp; replaces glutamic acid 1290 with aspartic acid.
Molecular consequence: missense variant.
Genome position (GRCh38, 1-based): chr1:155,479,000, C>A on the plus strand (G>T on the coding strand, the complement: ASH1L is on the minus strand). VCF-style: chr1-155479000-C-A. GRCh37 (hg19) VCF-style: chr1-155448791-C-A.
Other names: c.3870G>T, p.Glu1290Asp (NM_001366177.2); short protein forms E1290D.
Identifiers: ClinVar variation 3900993 (VCV003900993.1).